The following is an entry in ClinVar:

ClinVar aggregate classification (germline): Uncertain significance (1 of 4 stars; one submission).

Submission:

Ambry Genetics
Classification: Uncertain significance. Last evaluated: 2024-04-04. Review status: criteria provided, single submitter. Criteria: Ambry Variant Classification Scheme 2023. Collection method: clinical testing. Allele origin: germline.
Comment: The p.C2125G variant (also known as c.6373T>G), located in coding exon 12 of the ALPK2 gene, results from a T to G substitution at nucleotide position 6373. The cysteine at codon 2125 is replaced by glycine, an amino acid with highly dissimilar properties. This amino acid position is conserved. In addition, this alteration is predicted to be deleterious by in silico analysis. Based on the available evidence, the clinical significance of this variant remains unclear.

NM_052947.4(ALPK2):c.6373T>G (p.Cys2125Gly)

Gene: ALPK2 (alpha kinase 2; minus strand). Cytogenetic location: 18q21.31.
Variant type: single nucleotide variant.
Coding change: c.6373T>G on transcript NM_052947.4 (MANE Select); coding-DNA position 6373, T replaced by G.
Protein change: p.Cys2125Gly; replaces cysteine 2125 with glycine.
Molecular consequence: missense variant.
Genome position (GRCh38, 1-based): chr18:58,481,963, A>C on the plus strand (T>G on the coding strand, the complement: ALPK2 is on the minus strand). VCF-style: chr18-58481963-A-C. GRCh37 (hg19) VCF-style: chr18-56149195-A-C.
Other names: short protein forms C2125G.
Identifiers: ClinVar variation 3289933 (VCV003289933.1).